The following is an entry in ClinVar:

NM_024417.5(FDXR):c.271-14G>A

Gene: FDXR (ferredoxin reductase; minus strand). Cytogenetic location: 17q25.1.
Variant type: single nucleotide variant.
Coding change: c.271-14G>A on transcript NM_024417.5 (MANE Select); 14 bases into the intron before coding-DNA position 271, G replaced by A.
Molecular consequence: intron variant.
Genome position (GRCh38, 1-based): chr17:74,866,582, C>T on the plus strand (G>A on the coding strand, the complement: FDXR is on the minus strand). VCF-style: chr17-74866582-C-T. GRCh37 (hg19) VCF-style: chr17-72862704-C-T.
Other names: c.271-38G>A (NM_001258014.4); c.271-14G>A (NM_004110.6); c.273+202G>A (NM_001258015.3); c.400-14G>A (NM_001258012.4); c.364-14G>A (NM_001258013.4); c.115-14G>A (NM_001258016.3).
Identifiers: ClinVar variation 4795215 (VCV004795215.1).

ClinVar aggregate classification (germline): Uncertain significance (1 of 4 stars; one submission).

Conditions:
Auditory neuropathy-optic atrophy syndrome. Also called: MULTIPLE MITOCHONDRIAL DYSFUNCTIONS SYNDROME 9A; AUDITORY NEUROPATHY AND OPTIC ATROPHY. Identifiers: Orphanet 542585, MedGen C4521678, MONDO:0060582, OMIM 617717.

gnomAD v4.1: 6 of 1,613,416 alleles (0.00037%); highest among the groups gnomAD compares: Admixed American, 0.0017%; no homozygotes.

Submission:

Department of Clinical Genetics, Copenhagen University Hospital, Rigshospitalet
Classification: Uncertain significance for Auditory neuropathy-optic atrophy syndrome. Last evaluated: 2025-12-01. Review status: criteria provided, single submitter. Criteria: ACMG Guidelines, 2015. Collection method: clinical testing. Allele origin: inherited. Affected: yes. Observed: 2 variant alleles.
Comment: PVS1_moderate (RNA) + PM2_supporting + PM3_moderate. Confirmed in trans with NM_024417.5(FDXR):c.310C>T (VCV003776413.1) and NM_024417.5(FDXR):c.1402C>T (VCV004256708.1) (two unrelated cases).